The following is an entry in ClinVar:

NM_032043.3(BRIP1):c.2563C>A (p.Arg855Ser)

Gene: BRIP1 (BRCA1 interacting DNA helicase 1; minus strand). Cytogenetic location: 17q23.2.
Variant type: single nucleotide variant.
Coding change: c.2563C>A on transcript NM_032043.3 (MANE Select); coding-DNA position 2563, C replaced by A.
Protein change: p.Arg855Ser; replaces arginine 855 with serine.
Molecular consequence: missense variant.
Genome position (GRCh38, 1-based): chr17:61,693,442, G>T on the plus strand (C>A on the coding strand, the complement: BRIP1 is on the minus strand). VCF-style: chr17-61693442-G-T. GRCh37 (hg19) VCF-style: chr17-59770803-G-T.
Other names: short protein forms R855S.
Identifiers: ClinVar variation 821489 (VCV000821489.13), dbSNP rs146031731, ClinGen allele CA400482351.

ClinVar aggregate classification (germline): Uncertain significance. Review status: criteria provided, multiple submitters, no conflicts (2 of 4 stars). 2 submissions from 2 submitters: Uncertain significance (2). Last evaluated 2021-03-23.

Conditions:
Hereditary cancer-predisposing syndrome. Also called: Hereditary Cancer Syndrome; Neoplastic Syndromes, Hereditary; Hereditary neoplastic syndrome; Tumor predisposition. Identifiers: Orphanet 140162, MedGen C0027672, MeSH D009386, MONDO:0015356.
Familial cancer of breast. Also called: Hereditary breast cancer; hereditary breast carcinoma; BREAST CANCER, FAMILIAL. Identifiers: Orphanet 227535, MedGen C0346153, MONDO:0016419, OMIM 114480. Disease mechanism: loss of function.
Fanconi anemia complementation group J. Also called: BRIP1-Related Fanconi Anemia. Identifiers: Orphanet 84, MedGen C1836860, MONDO:0012187, OMIM 609054.

gnomAD v4.1: 1 of 1,612,986 alleles (0.000062%); highest among the groups gnomAD compares: South Asian, 0.0011%; no homozygotes.

Submissions (2):

Labcorp Genetics (formerly Invitae), Labcorp
Classification: Uncertain significance for Familial cancer of breast; Fanconi anemia complementation group J. Last evaluated: 2021-03-23. Review status: criteria provided, single submitter. Criteria: Invitae Variant Classification Sherloc (09022015). Collection method: clinical testing. Allele origin: germline.
Comment: This variant is not present in population databases (ExAC no frequency). Algorithms developed to predict the effect of missense changes on protein structure and function (SIFT, PolyPhen-2, Align-GVGD) all suggest that this variant is likely to be tolerated, but these predictions have not been confirmed by published functional studies and their clinical significance is uncertain. This variant has not been reported in the literature in individuals with BRIP1-related conditions. ClinVar contains an entry for this variant (Variation ID: 821489). This sequence change replaces arginine with serine at codon 855 of the BRIP1 protein (p.Arg855Ser). The arginine residue is weakly conserved and there is a moderate physicochemical difference between arginine and serine. In summary, the available evidence is currently insufficient to determine the role of this variant in disease. Therefore, it has been classified as a Variant of Uncertain Significance.

Ambry Genetics
Classification: Uncertain significance for Hereditary cancer-predisposing syndrome. Last evaluated: 2019-08-11. Review status: criteria provided, single submitter. Criteria: Ambry Variant Classification Scheme 2023. Collection method: clinical testing. Allele origin: germline.
Comment: The p.R855S variant (also known as c.2563C>A), located in coding exon 17 of the BRIP1 gene, results from a C to A substitution at nucleotide position 2563. The arginine at codon 855 is replaced by serine, an amino acid with dissimilar properties. This amino acid position is not well conserved in available vertebrate species. In addition, the in silico prediction for this alteration is inconclusive. Since supporting evidence is limited at this time, the clinical significance of this alteration remains unclear.